The following is an entry in ClinVar:

NM_000782.5(CYP24A1):c.114G>T (p.Pro38=)

Gene: CYP24A1 (cytochrome P450 family 24 subfamily A member 1; minus strand). Cytogenetic location: 20q13.2.
Variant type: single nucleotide variant.
Coding change: c.114G>T on transcript NM_000782.5 (MANE Select); coding-DNA position 114, G replaced by T.
Protein change: p.Pro38=; no amino-acid change (proline 38 retained).
Molecular consequence: synonymous variant.
Genome position (GRCh38, 1-based): chr20:54,173,466, C>A on the plus strand (G>T on the coding strand, the complement: CYP24A1 is on the minus strand). VCF-style: chr20-54173466-C-A. GRCh37 (hg19) VCF-style: chr20-52790005-C-A.
Other names: p.Pro38=; c.114G>T, p.Pro38= (NM_001128915.2).
Identifiers: ClinVar variation 338837 (VCV000338837.20), dbSNP rs61749689, ClinGen allele CA9916273.

ClinVar aggregate classification (germline): Benign/Likely benign. Review status: criteria provided, multiple submitters, no conflicts (2 of 4 stars). 7 submissions from 7 submitters: Benign (2); Likely benign (5). Last evaluated 2026-02-01.

Conditions:
Hypercalcemia, infantile, 1 (HCINF1). Identifiers: Orphanet 300547, MedGen CN031131, MONDO:0020739, OMIM 143880.

Allele frequency attached by ClinVar (database versions not stated): 1000 Genomes Project 30x 0.00796; 1000 Genomes Project 0.00819; TOPMed 0.01676; ESP Exome Variant Server 0.01767; ExAC 0.02560.
gnomAD v4.1: 34,787 of 1,566,106 alleles (2.2%); highest among the groups gnomAD compares: Middle Eastern, 3.4%; 466 homozygotes.

Submissions (7):

Labcorp Genetics (formerly Invitae), Labcorp
Classification: Benign. Last evaluated: 2026-02-01. Review status: criteria provided, single submitter. Criteria: Invitae Variant Classification Sherloc (09022015). Collection method: clinical testing. Allele origin: germline.

Blueprint Genetics
Classification: Likely benign. Last evaluated: 2024-11-28. Review status: criteria provided, single submitter. Criteria: ACMG Guidelines, 2015. Collection method: clinical testing. Allele origin: germline.

Mayo Clinic Laboratories, Mayo Clinic
Classification: Likely benign. Last evaluated: 2024-11-20. Review status: criteria provided, single submitter. Criteria: ACMG Guidelines, 2015. Collection method: clinical testing. Allele origin: germline. Observed: 7 variant alleles.
Comment: BS2, BP4, BP7

Fulgent Genetics
Classification: Likely benign for Hypercalcemia, infantile, 1. Last evaluated: 2021-12-29. Review status: criteria provided, single submitter. Criteria: ACMG Guidelines, 2015. Collection method: clinical testing. Allele origin: unknown.

GeneDx
Classification: Likely benign. Last evaluated: 2021-04-12. Review status: criteria provided, single submitter. Criteria: GeneDx Variant Classification Process June 2021. Collection method: clinical testing. Allele origin: germline. Affected: yes.

Illumina Laboratory Services, Illumina
Classification: Benign for Hypercalcemia, infantile, 1. Last evaluated: 2018-01-13. Review status: criteria provided, single submitter. Criteria: ICSL Variant Classification Criteria 13 December 2019. Collection method: clinical testing. Allele origin: germline.
Comment: This variant was observed in the ICSL laboratory as part of a predisposition screen in an ostensibly healthy population. It had not been previously curated by ICSL or reported in the Human Gene Mutation Database (HGMD: prior to June 1st, 2018), and was therefore a candidate for classification through an automated scoring system. Utilizing variant allele frequency, disease prevalence and penetrance estimates, and inheritance mode, an automated score was calculated to assess if this variant is too frequent to cause the disease. Based on the score and internal cut-off values, a variant classified as benign is not then subjected to further curation. The score for this variant resulted in a classification of benign for this disease.

Breakthrough Genomics
Classification: Likely benign. Review status: criteria provided, single submitter. Criteria: ACMG Guidelines, 2015. Collection method: not provided. Allele origin: germline. Inheritance: Autosomal recessive inheritance. Affected: yes.